The following is an entry in ClinVar:

ClinVar aggregate classification (germline): Uncertain significance (1 of 4 stars; one submission).

Submission:

Labcorp Genetics (formerly Invitae), Labcorp
Classification: Uncertain significance. Last evaluated: 2022-03-05. Review status: criteria provided, single submitter. Criteria: Invitae Variant Classification Sherloc (09022015). Collection method: clinical testing. Allele origin: germline.
Comment: This sequence change replaces proline, which is neutral and non-polar, with serine, which is neutral and polar, at codon 633 of the ADAMTSL4 protein (p.Pro633Ser). This variant is not present in population databases (gnomAD no frequency). This variant has not been reported in the literature in individuals affected with ADAMTSL4-related conditions. Algorithms developed to predict the effect of missense changes on protein structure and function output the following: SIFT: "Deleterious"; PolyPhen-2: "Benign"; Align-GVGD: "Class C65". The serine amino acid residue is found in multiple mammalian species, which suggests that this missense change does not adversely affect protein function. In summary, the available evidence is currently insufficient to determine the role of this variant in disease. Therefore, it has been classified as a Variant of Uncertain Significance.

NM_019032.6(ADAMTSL4):c.1897C>T (p.Pro633Ser)

Genes: ADAMTSL4 (ADAMTS like 4; plus strand), ADAMTSL4-AS2 (ADAMTSL4 antisense RNA 2; minus strand). Cytogenetic location: 1q21.2.
Variant type: single nucleotide variant.
Coding change: c.1897C>T on transcript NM_019032.6 (MANE Select); coding-DNA position 1897, C replaced by T.
Protein change: p.Pro633Ser; replaces proline 633 with serine.
Molecular consequence: missense variant. On other transcripts: intron variant (1).
Genome position (GRCh38, 1-based): chr1:150,557,185, C>T. VCF-style: chr1-150557185-C-T. GRCh37 (hg19) VCF-style: chr1-150529661-C-T.
Other names: c.1966C>T, p.Pro656Ser (NM_001288608.2); c.1897C>T, p.Pro633Ser (NM_001378596.1, NM_025008.5); c.1857-77C>T (NM_001288607.2); short protein forms P633S, P656S.
Identifiers: ClinVar variation 2421336 (VCV002421336.4), dbSNP rs1672230821, ClinGen allele CA342313549.